The following is an entry in ClinVar:

NC_012920.1(MT-ATP6):m.8864T>C

Gene: MT-ATP6 (mitochondrially encoded ATP synthase 6; plus strand).
Variant type: single nucleotide variant.
Genome position: chrM-8864-T-C.
Identifiers: ClinVar variation 693006 (VCV000693006.2), dbSNP rs1556423555, ClinGen allele CA414798570.
Genomic context (GRCh38, chrMT:8,864, plus strand): 5'-CACCAACCACCCAACTATCTATAAACCTAGCCATGGCCATCCCCTTATGAGCGGGCACAG[T>C]GATTATAGGCTTTCGCTCTAAGATTAAAAATGCCCTAGCCCACTTCTTACCACAAGGCAC-3'

ClinVar aggregate classification (germline): Benign (1 of 4 stars; one submission).

Conditions:
Leigh syndrome (NULS). Also called: Leigh's syndrome; LEIGH SYNDROME, NUCLEAR; Leigh's necrotizing encephalopathy; Leigh's disease; Leigh Syndrome (mtDNA deletion); Leigh Disease. Identifiers: Orphanet 506, MedGen C2931891, MONDO:0009723, OMIM 256000.

Submission:

Wong Mito Lab, Molecular and Human Genetics, Baylor College of Medicine
Classification: Benign for Leigh syndrome. Last evaluated: 2019-10-17. Review status: criteria provided, single submitter. Criteria: Modified ACMG Guidelines (Unpublished). Collection method: clinical testing. Allele origin: germline.
Comment: The NC_012920.1:m.8864T>C (YP_003024031.1:p.Val113Ala) variant in MTATP6 gene is interpretated to be a Benign variant based on the modified ACMG guidelines (unpublished). This variant meets the following evidence codes: BS1, BS4